The following is an entry in ClinVar:

ClinVar aggregate classification (germline): Uncertain significance. Review status: criteria provided, multiple submitters, no conflicts (2 of 4 stars). 2 submissions from 2 submitters: Uncertain significance (2). Last evaluated 2025-09-30.

Conditions:
Charcot-Marie-Tooth disease type 2. Also called: Charcot-Marie-Tooth type 2. Identifiers: Orphanet 64746, MedGen C0270914, MONDO:0018993.

Allele frequency attached by ClinVar (database versions not stated): gnomAD exomes below 0.00001.
gnomAD v4.1: 2 of 1,614,046 alleles (0.00012%); highest among the groups gnomAD compares: Non-Finnish European, 0.00017%; no homozygotes.

Submissions (2):

Labcorp Genetics (formerly Invitae), Labcorp
Classification: Uncertain significance for Charcot-Marie-Tooth disease type 2. Last evaluated: 2025-09-30. Review status: criteria provided, single submitter. Criteria: Invitae Variant Classification Sherloc (09022015). Collection method: clinical testing. Allele origin: germline.
Comment: This sequence change replaces serine, which is neutral and polar, with cysteine, which is neutral and slightly polar, at codon 1011 of the KIF1B protein (p.Ser1011Cys). This variant is not present in population databases (gnomAD no frequency). This variant has not been reported in the literature in individuals affected with KIF1B-related conditions. ClinVar contains an entry for this variant (Variation ID: 3003360). An algorithm developed to predict the effect of missense changes on protein structure and function (PolyPhen-2) suggests that this variant is likely to be disruptive. In summary, the available evidence is currently insufficient to determine the role of this variant in disease. Therefore, it has been classified as a Variant of Uncertain Significance.

Ambry Genetics
Classification: Uncertain significance. Last evaluated: 2024-08-11. Review status: criteria provided, single submitter. Criteria: Ambry Variant Classification Scheme 2023. Collection method: clinical testing. Allele origin: germline.
Comment: The p.S1011C variant (also known as c.3032C>G), located in coding exon 27 of the KIF1B gene, results from a C to G substitution at nucleotide position 3032. The serine at codon 1011 is replaced by cysteine, an amino acid with dissimilar properties. This amino acid position is conserved. In addition, this alteration is predicted to be deleterious by in silico analysis. Based on the available evidence, the clinical significance of this variant remains unclear.

NM_001365951.3(KIF1B):c.3170C>G (p.Ser1057Cys)

Gene: KIF1B (kinesin family member 1B; plus strand). Cytogenetic location: 1p36.22.
Variant type: single nucleotide variant.
Coding change: c.3170C>G on transcript NM_001365951.3 (MANE Select); coding-DNA position 3170, C replaced by G.
Protein change: p.Ser1057Cys; replaces serine 1057 with cysteine.
Molecular consequence: missense variant.
Genome position (GRCh38, 1-based): chr1:10,337,114, C>G. VCF-style: chr1-10337114-C-G. GRCh37 (hg19) VCF-style: chr1-10397172-C-G.
Other names: c.3170C>G, p.Ser1057Cys (NM_001365952.1); c.3032C>G, p.Ser1011Cys (NM_015074.3); short protein forms S1011C, S1057C.
Identifiers: ClinVar variation 3003360 (VCV003003360.4), dbSNP rs2521719024, ClinGen allele CA338339681.